The following is an entry in ClinVar:

NM_006734.4(HIVEP2):c.258G>A (p.Pro86=)

Gene: HIVEP2 (HIVEP zinc finger 2; minus strand). Cytogenetic location: 6q24.2.
Variant type: single nucleotide variant.
Coding change: c.258G>A on transcript NM_006734.4 (MANE Select); coding-DNA position 258, G replaced by A.
Protein change: p.Pro86=; no amino-acid change (proline 86 retained).
Molecular consequence: synonymous variant.
Genome position (GRCh38, 1-based): chr6:142,774,481, C>T on the plus strand (G>A on the coding strand, the complement: HIVEP2 is on the minus strand). VCF-style: chr6-142774481-C-T. GRCh37 (hg19) VCF-style: chr6-143095618-C-T.
Identifiers: ClinVar variation 716952 (VCV000716952.19), dbSNP rs188298782, ClinGen allele CA4028769.

ClinVar aggregate classification (germline): Benign/Likely benign. Review status: criteria provided, multiple submitters, no conflicts (2 of 4 stars). 5 submissions from 5 submitters: Benign (1); Likely benign (3). 1 of the submissions does not count toward it. Last evaluated 2026-03-01.

Conditions:
HIVEP2-related disorder. Also called: HIVEP2-related condition.

Allele frequency attached by ClinVar (database versions not stated): gnomAD exomes 0.00048; ExAC 0.00055; 1000 Genomes Project 30x 0.00125; 1000 Genomes Project 0.00160; gnomAD 0.00171 and 0.00187; TOPMed 0.00201; ESP Exome Variant Server 0.00218.
gnomAD v4.1: 545 of 1,614,020 alleles (0.034%); highest among the groups gnomAD compares: African/African-American, 0.61%; 4 homozygotes.

Submissions (5):

CeGaT Center for Human Genetics Tuebingen
Classification: Likely benign. Last evaluated: 2026-03-01. Review status: criteria provided, single submitter. Criteria: CeGaT Center For Human Genetics Tuebingen Variant Classification Criteria Version 2. Collection method: clinical testing. Allele origin: germline. Affected: yes. Observed: 1 variant allele.
Comment: HIVEP2: BP4, BP7

Labcorp Genetics (formerly Invitae), Labcorp
Classification: Benign. Last evaluated: 2026-01-21. Review status: criteria provided, single submitter. Criteria: Invitae Variant Classification Sherloc (09022015). Collection method: clinical testing. Allele origin: germline.

Blueprint Genetics
Classification: Likely benign. Last evaluated: 2024-09-11. Review status: criteria provided, single submitter. Criteria: ACMG Guidelines, 2015. Collection method: clinical testing. Allele origin: germline.

Genetic Services Laboratory, University of Chicago
Classification: Likely benign. Last evaluated: 2020-05-28. Review status: criteria provided, single submitter. Criteria: ACMG Guidelines, 2015. Collection method: clinical testing. Allele origin: germline. Affected: no.

PreventionGenetics, part of Exact Sciences
Classification: Likely benign for HIVEP2-related condition. Last evaluated: 2024-01-02. Review status: no assertion criteria provided. Collection method: clinical testing. Allele origin: germline. Not counted in ClinVar's aggregate classification.
Comment: This variant is classified as likely benign based on ACMG/AMP sequence variant interpretation guidelines (Richards et al. 2015 PMID: 25741868, with internal and published modifications).